The following is an entry in ClinVar:

NM_015599.3(PGM3):c.53G>A (p.Gly18Glu)

Gene: PGM3 (phosphoglucomutase 3; minus strand). Cytogenetic location: 6q14.1.
Variant type: single nucleotide variant.
Coding change: c.53G>A on transcript NM_015599.3 (MANE Select); coding-DNA position 53, G replaced by A.
Protein change: p.Gly18Glu; replaces glycine 18 with glutamic acid.
Molecular consequence: missense variant. On other transcripts: non-coding transcript variant (1), intron variant (1).
Genome position (GRCh38, 1-based): chr6:83,190,960, C>T on the plus strand (G>A on the coding strand, the complement: PGM3 is on the minus strand). VCF-style: chr6-83190960-C-T. GRCh37 (hg19) VCF-style: chr6-83900679-C-T.
Other names: c.137G>A, p.Gly46Glu (NM_001199917.2, NM_001367287.1); c.53G>A, p.Gly18Glu (NM_001199919.2, NM_001367286.1); c.-39-2162G>A (NM_001199918.2); short protein forms G18E, G46E.
Identifiers: ClinVar variation 4805401 (VCV004805401.1).

ClinVar aggregate classification (germline): Uncertain significance (1 of 4 stars; one submission).

Conditions:
Immunodeficiency 23 (IMD23). Also called: IMMUNODEFICIENCY WITH HYPER IgE AND COGNITIVE IMPAIRMENT; IMMUNODEFICIENCY-VASCULITIS-MYOCLONUS SYNDROME. Identifiers: Orphanet 443811, MedGen C4014371, MONDO:0014353, OMIM 615816.

Submission:

Labcorp Genetics (formerly Invitae), Labcorp
Classification: Uncertain significance for Immunodeficiency 23. Last evaluated: 2025-12-03. Review status: criteria provided, single submitter. Criteria: Invitae Variant Classification Sherloc (09022015). Collection method: clinical testing. Allele origin: germline.
Comment: This sequence change replaces glycine, which is neutral and non-polar, with glutamic acid, which is acidic and polar, at codon 46 of the PGM3 protein (p.Gly46Glu). This variant is not present in population databases (gnomAD no frequency). This variant has not been reported in the literature in individuals affected with PGM3-related conditions. An algorithm developed to predict the effect of missense changes on protein structure and function (PolyPhen-2) suggests that this variant is likely to be disruptive. In summary, the available evidence is currently insufficient to determine the role of this variant in disease. Therefore, it has been classified as a Variant of Uncertain Significance.